The following is an entry in ClinVar:

NM_014975.3(MAST1):c.106A>G (p.Ser36Gly)

Gene: MAST1 (microtubule associated serine/threonine kinase 1; plus strand). Cytogenetic location: 19p13.13.
Variant type: single nucleotide variant.
Coding change: c.106A>G on transcript NM_014975.3 (MANE Select); coding-DNA position 106, A replaced by G.
Protein change: p.Ser36Gly; replaces serine 36 with glycine.
Molecular consequence: missense variant.
Genome position (GRCh38, 1-based): chr19:12,840,468, A>G. VCF-style: chr19-12840468-A-G. GRCh37 (hg19) VCF-style: chr19-12951282-A-G.
Other names: short protein forms S36G.
Identifiers: ClinVar variation 4728304 (VCV004728304.1).
Genomic context (GRCh38, chr19:12,840,468, plus strand): 5'-CGGCCCGGCCCGGCCCCCCTGCCTTACCTTCCCCGCAGCTGCCGCACCAGTAATCGGAAA[A>G]GCCTCATCCTGACCAGCACTTCACCCACGCTACCGAGACCCCACTCCCCGCTGCCAGGTC-3'
Protein context (NP_055790.1, residues 26-46): TKSCRTSNRK[Ser36Gly]LILTSTSPTL

ClinVar aggregate classification (germline): Uncertain significance (1 of 4 stars; one submission).

Submission:

Labcorp Genetics (formerly Invitae), Labcorp
Classification: Uncertain significance. Last evaluated: 2025-11-27. Review status: criteria provided, single submitter. Criteria: Invitae Variant Classification Sherloc (09022015). Collection method: clinical testing. Allele origin: germline.
Comment: This sequence change replaces serine, which is neutral and polar, with glycine, which is neutral and non-polar, at codon 36 of the MAST1 protein (p.Ser36Gly). This variant is not present in population databases (gnomAD no frequency). This variant has not been reported in the literature in individuals affected with MAST1-related conditions. An algorithm developed to predict the effect of missense changes on protein structure and function (PolyPhen-2) suggests that this variant is likely to be disruptive. In summary, the available evidence is currently insufficient to determine the role of this variant in disease. Therefore, it has been classified as a Variant of Uncertain Significance.